The following is an entry in ClinVar:

ClinVar aggregate classification (germline): Conflicting classifications of pathogenicity. Review status: criteria provided, conflicting classifications (1 of 4 stars). 4 submissions from 4 submitters: Uncertain significance (1); Likely benign (2). 1 of the submissions does not count toward it. Last evaluated 2025-01-28.

Conditions:
Hereditary nonpolyposis colorectal neoplasms. Identifiers: MedGen C0009405, MeSH D003123.
Hereditary cancer-predisposing syndrome. Also called: Hereditary neoplastic syndrome; Hereditary Cancer Syndrome; Neoplastic Syndromes, Hereditary; Tumor predisposition. Identifiers: Orphanet 140162, MedGen C0027672, MeSH D009386, MONDO:0015356.
Lynch syndrome. Identifiers: Orphanet 144, MedGen C4552100, MONDO:0005835. Disease mechanism: loss of function.

Allele frequency attached by ClinVar (database versions not stated): TOPMed below 0.00001; gnomAD 0.00001.
gnomAD v4.1: 19 of 1,614,042 alleles (0.0012%); highest among the groups gnomAD compares: Non-Finnish European, 0.0016%; no homozygotes.

Submissions (4):

Color Diagnostics, LLC DBA Color Health
Classification: Likely benign for Hereditary cancer-predisposing syndrome. Last evaluated: 2025-01-28. Review status: criteria provided, single submitter. Criteria: ACMG Guidelines, 2015. Collection method: clinical testing. Allele origin: germline.

Labcorp Genetics (formerly Invitae), Labcorp
Classification: Uncertain significance for Hereditary nonpolyposis colorectal neoplasms. Last evaluated: 2024-10-03. Review status: criteria provided, single submitter. Criteria: Invitae Variant Classification Sherloc (09022015). Collection method: clinical testing. Allele origin: germline.
Comment: This sequence change replaces lysine, which is basic and polar, with threonine, which is neutral and polar, at codon 561 of the PMS2 protein (p.Lys561Thr). This variant is not present in population databases (gnomAD no frequency). This variant has not been reported in the literature in individuals affected with PMS2-related conditions. ClinVar contains an entry for this variant (Variation ID: 230281). Invitae Evidence Modeling of protein sequence and biophysical properties (such as structural, functional, and spatial information, amino acid conservation, physicochemical variation, residue mobility, and thermodynamic stability) indicates that this missense variant is not expected to disrupt PMS2 protein function with a negative predictive value of 80%. In summary, the available evidence is currently insufficient to determine the role of this variant in disease. Therefore, it has been classified as a Variant of Uncertain Significance.

Ambry Genetics
Classification: Likely benign for Hereditary cancer-predisposing syndrome. Last evaluated: 2024-08-15. Review status: criteria provided, single submitter. Criteria: Ambry Variant Classification Scheme 2023. Collection method: clinical testing. Allele origin: germline.

Department of Pathology and Laboratory Medicine, Sinai Health System
Classification: Uncertain significance for Lynch syndrome. Review status: no assertion criteria provided. Collection method: clinical testing. Allele origin: unknown. Affected: yes. Observed: 1 variant allele. Study: The Canadian Open Genetics Repository (COGR). Not counted in ClinVar's aggregate classification.
Comment: The PMS2 p.Lys561Thr variant was not identified in the literature nor was it identified in the COGR, Cosmic, MutDB, Zhejiang University Database, Mismatch Repair Genes Variant Database, or Insight Hereditary Tumors Database. The variant was identified in dbSNP (ID: rs876658481) as "With Uncertain significance allele", and in ClinVar (classified as uncertain significance by Invitae and Ambry Genetics). The variant was not identified in the following control databases: the Exome Aggregation Consortium (August 8th 2016), or the Genome Aggregation Database (Feb 27, 2017). The p.Lys561 residue is not conserved in mammals and four out of five computational analyses (PolyPhen-2, SIFT, AlignGVGD, BLOSUM, MutationTaster) do not suggest a high likelihood of impact to the protein; however, this information is not predictive enough to rule out pathogenicity. The variant occurs outside of the splicing consensus sequence and 2 of 4 in silico or computational prediction software programs (SpliceSiteFinder, MaxEntScan, NNSPLICE, GeneSplicer) predict a greater than 10% difference in splicing; this is not very predictive of pathogenicity. In summary, based on the above information the clinical significance of this variant cannot be determined with certainty at this time. This variant is classified as a variant of uncertain significance.

Literature cited by the submitters: PubMed 32885271 (cited by Ambry Genetics).

NM_000535.7(PMS2):c.1682A>C (p.Lys561Thr)

Gene: PMS2 (PMS1 homolog 2, mismatch repair system component; minus strand). Cytogenetic location: 7p22.1.
Variant type: single nucleotide variant.
Coding change: c.1682A>C on transcript NM_000535.7 (MANE Select); coding-DNA position 1682, A replaced by C.
Protein change: p.Lys561Thr; replaces lysine 561 with threonine.
Molecular consequence: missense variant. On other transcripts: non-coding transcript variant (1).
Genome position (GRCh38, 1-based): chr7:5,987,083, T>G on the plus strand (A>C on the coding strand, the complement: PMS2 is on the minus strand). VCF-style: chr7-5987083-T-G. GRCh37 (hg19) VCF-style: chr7-6026714-T-G.
Other names: c.1277A>C, p.Lys426Thr (NM_001322003.2, NM_001322004.2, NM_001322005.2 and 1 more transcripts); c.1526A>C, p.Lys509Thr (NM_001322006.2); c.1364A>C, p.Lys455Thr (NM_001322007.2, NM_001322008.2); c.1121A>C, p.Lys374Thr (NM_001322010.2); c.749A>C, p.Lys250Thr (NM_001322011.2, NM_001322012.2); c.1109A>C, p.Lys370Thr (NM_001322013.2); c.1682A>C, p.Lys561Thr (NM_001322014.2); c.1373A>C, p.Lys458Thr (NM_001322015.2); short protein forms K561T, K370T, K374T, K509T, K250T, K426T, K455T, K458T.
Identifiers: ClinVar variation 230281 (VCV000230281.19), dbSNP rs876658481, ClinGen allele CA10578665.